The following is an entry in ClinVar:

ClinVar aggregate classification (germline): Uncertain significance. Review status: criteria provided, multiple submitters, no conflicts (2 of 4 stars). 3 submissions from 3 submitters: Uncertain significance (3). Last evaluated 2024-08-24.

Conditions:
Muscular dystrophy-dystroglycanopathy (congenital with brain and eye anomalies), type A14. Also called: Congenital muscular dystrophy-dystroglycanopathy with brain and eye anomalies, type A14; WALKER-WARBURG SYNDROME OR MUSCLE-EYE-BRAIN DISEASE, GMPPB-RELATED; Muscular dystrophy-dystroglycanopathy (congenital with brain and eye anomalies), type a, 14; Congenital Muscular Dystrophy-Dystroglycanopathy with Brain and Eye Anomalies Type A 14. Identifiers: Orphanet 588, MedGen C3809216, MONDO:0014140, OMIM 615350.
Muscular dystrophy-dystroglycanopathy (congenital with impaired intellectual development), type B, 14. Also called: Congenital muscular dystrophy-dystroglycanopathy with mental retardation, type B14; MUSCULAR DYSTROPHY, CONGENITAL, GMPPB-RELATED; Muscular dystrophy-dystroglycanopathy (congenital with intellectual disability), type B14. Identifiers: MedGen C3809221, MONDO:0014141, OMIM 615351.
Autosomal recessive limb-girdle muscular dystrophy type 2T. Also called: Limb-girdle muscular dystrophy-dystroglycanopathy, type C14; MUSCULAR DYSTROPHY-DYSTROGLYCANOPATHY, LIMB-GIRDLE, GMPPB-RELATED; MUSCULAR DYSTROPHY, LIMB-GIRDLE, TYPE 2T; Muscular dystrophy-dystroglycanopathy (limb-girdle), type c, 14. Identifiers: Orphanet 363623, MedGen C4518000, MONDO:0014142, OMIM 615352.

Allele frequency attached by ClinVar (database versions not stated): gnomAD exomes 0.00005 and 0.00002; TOPMed 0.00020; gnomAD 0.00013 and 0.00014; ExAC 0.00006; ESP Exome Variant Server 0.00038.
gnomAD v4.1: 54 of 1,613,498 alleles (0.0033%); highest among the groups gnomAD compares: African/African-American, 0.037%; no homozygotes.

Submissions (3):

GeneDx
Classification: Uncertain significance. Last evaluated: 2024-08-24. Review status: criteria provided, single submitter. Criteria: GeneDx Variant Classification Process June 2021. Collection method: clinical testing. Allele origin: germline. Affected: yes.
Comment: In silico analysis indicates that this missense variant does not alter protein structure/function; Has not been previously published as pathogenic or benign to our knowledge

Revvity Omics, Revvity
Classification: Uncertain significance. Last evaluated: 2024-07-22. Review status: criteria provided, single submitter. Criteria: ACMG Guidelines, 2015. Collection method: clinical testing. Allele origin: germline.

Labcorp Genetics (formerly Invitae), Labcorp
Classification: Uncertain significance for Autosomal recessive limb-girdle muscular dystrophy type 2T; Muscular dystrophy-dystroglycanopathy (congenital with brain and eye anomalies), type A14; Muscular dystrophy-dystroglycanopathy (congenital with impaired intellectual development), type B, 14. Last evaluated: 2022-10-17. Review status: criteria provided, single submitter. Criteria: Invitae Variant Classification Sherloc (09022015). Collection method: clinical testing. Allele origin: germline.
Comment: This sequence change replaces arginine, which is basic and polar, with glutamine, which is neutral and polar, at codon 296 of the GMPPB protein (p.Arg296Gln). This variant is present in population databases (rs144040971, gnomAD 0.05%). This variant has not been reported in the literature in individuals affected with GMPPB-related conditions. ClinVar contains an entry for this variant (Variation ID: 852301). Advanced modeling of protein sequence and biophysical properties (such as structural, functional, and spatial information, amino acid conservation, physicochemical variation, residue mobility, and thermodynamic stability) performed at Invitae indicates that this missense variant is not expected to disrupt GMPPB protein function. In summary, the available evidence is currently insufficient to determine the role of this variant in disease. Therefore, it has been classified as a Variant of Uncertain Significance.

NM_021971.4(GMPPB):c.887G>A (p.Arg296Gln)

Gene: GMPPB (GDP-mannose pyrophosphorylase B; minus strand). Cytogenetic location: 3p21.31.
Variant type: single nucleotide variant.
Coding change: c.887G>A on transcript NM_021971.4 (MANE Select); coding-DNA position 887, G replaced by A.
Protein change: p.Arg296Gln; replaces arginine 296 with glutamine.
Molecular consequence: missense variant.
Genome position (GRCh38, 1-based): chr3:49,722,029, C>T on the plus strand (G>A on the coding strand, the complement: GMPPB is on the minus strand). VCF-style: chr3-49722029-C-T. GRCh37 (hg19) VCF-style: chr3-49759462-C-T.
Other names: c.887G>A, p.Arg296Gln (NM_013334.4); short protein forms R296Q.
Identifiers: ClinVar variation 852301 (VCV000852301.9), dbSNP rs144040971, ClinGen allele CA2405415.